The following is an entry in ClinVar:

NM_004859.4(CLTC):c.2726G>A (p.Cys909Tyr)

Gene: CLTC (clathrin heavy chain; plus strand). Cytogenetic location: 17q23.1.
Variant type: single nucleotide variant.
Coding change: c.2726G>A on transcript NM_004859.4 (MANE Select); coding-DNA position 2726, G replaced by A.
Protein change: p.Cys909Tyr; replaces cysteine 909 with tyrosine.
Molecular consequence: missense variant.
Genome position (GRCh38, 1-based): chr17:59,677,118, G>A. VCF-style: chr17-59677118-G-A. GRCh37 (hg19) VCF-style: chr17-57754479-G-A.
Other names: c.2738G>A, p.Cys913Tyr (NM_001288653.2); c.2738G>A (NM_001288653.1); short protein forms C909Y, C913Y.
Identifiers: ClinVar variation 2117324 (VCV002117324.5), dbSNP rs2509144446, ClinGen allele CA400416018.
Genomic context (GRCh38, chr17:59,677,118, plus strand): 5'-ACCCGGAGAGATTTCTTCGTGAAAATCCCTACTATGACAGTCGCGTTGTTGGAAAGTATT[G>A]TGAGAAGAGAGATCCACATCTGGCCTGTGTTGCTTATGAACGTGGCCAATGTGATCTGGA-3'
Protein context (NP_004850.1, residues 899-919): YYDSRVVGKY[Cys909Tyr]EKRDPHLACV

ClinVar aggregate classification (germline): Uncertain significance. Review status: criteria provided, multiple submitters, no conflicts (2 of 4 stars). 2 submissions from 2 submitters: Uncertain significance (2). Last evaluated 2024-05-14.

Submissions (2):

GeneDx
Classification: Uncertain significance. Last evaluated: 2024-05-14. Review status: criteria provided, single submitter. Criteria: GeneDx Variant Classification Process June 2021. Collection method: clinical testing. Allele origin: germline. Affected: yes.
Comment: Not observed at significant frequency in large population cohorts (gnomAD); In silico analysis supports that this missense variant has a deleterious effect on protein structure/function; Has not been previously published as pathogenic or benign to our knowledge

Labcorp Genetics (formerly Invitae), Labcorp
Classification: Uncertain significance. Last evaluated: 2022-12-05. Review status: criteria provided, single submitter. Criteria: Invitae Variant Classification Sherloc (09022015). Collection method: clinical testing. Allele origin: germline.
Comment: In summary, the available evidence is currently insufficient to determine the role of this variant in disease. Therefore, it has been classified as a Variant of Uncertain Significance. Advanced modeling of protein sequence and biophysical properties (such as structural, functional, and spatial information, amino acid conservation, physicochemical variation, residue mobility, and thermodynamic stability) performed at Invitae indicates that this missense variant is expected to disrupt CLTC protein function. This variant has not been reported in the literature in individuals affected with CLTC-related conditions. This sequence change replaces cysteine, which is neutral and slightly polar, with tyrosine, which is neutral and polar, at codon 913 of the CLTC protein (p.Cys913Tyr). This variant is not present in population databases (gnomAD no frequency).